The following is an entry in ClinVar:

NM_001042492.3(NF1):c.8476A>G (p.Ser2826Gly)

Gene: NF1 (neurofibromin 1; plus strand). Cytogenetic location: 17q11.2.
Variant type: single nucleotide variant.
Coding change: c.8476A>G on transcript NM_001042492.3 (MANE Select); coding-DNA position 8476, A replaced by G.
Protein change: p.Ser2826Gly; replaces serine 2826 with glycine.
Molecular consequence: missense variant.
Genome position (GRCh38, 1-based): chr17:31,374,111, A>G. VCF-style: chr17-31374111-A-G. GRCh37 (hg19) VCF-style: chr17-29701129-A-G.
Other names: c.8413A>G, p.Ser2805Gly (NM_000267.4); short protein forms S2805G, S2826G.
Identifiers: ClinVar variation 4119074 (VCV004119074.1).

ClinVar aggregate classification (germline): Uncertain significance (1 of 4 stars; one submission).

Conditions:
Cardiovascular phenotype. Identifiers: MedGen CN230736.
Hereditary cancer-predisposing syndrome. Also called: Hereditary neoplastic syndrome; Neoplastic Syndromes, Hereditary; Tumor predisposition; Hereditary Cancer Syndrome. Identifiers: Orphanet 140162, MedGen C0027672, MeSH D009386, MONDO:0015356.

Submission:

Ambry Genetics
Classification: Uncertain significance for Cardiovascular phenotype; Hereditary cancer-predisposing syndrome. Last evaluated: 2025-06-27. Review status: criteria provided, single submitter. Criteria: Ambry Variant Classification Scheme 2023. Collection method: clinical testing. Allele origin: germline.
Comment: The p.S2805G variant (also known as c.8413A>G), located in coding exon 57 of the NF1 gene, results from an A to G substitution at nucleotide position 8413. The serine at codon 2805 is replaced by glycine, an amino acid with similar properties. This amino acid position is conserved. In addition, this alteration is predicted to be tolerated by in silico analysis. Based on the available evidence, the clinical significance of this variant remains unclear.